The following is an entry in ClinVar:

ClinVar aggregate classification (germline): Uncertain significance. Review status: criteria provided, multiple submitters, no conflicts (2 of 4 stars). 5 submissions from 5 submitters: Uncertain significance (5). Last evaluated 2025-07-10.

Conditions:
Spermatogenic failure 18. Identifiers: MedGen C4539783, MONDO:0054615, OMIM 617576.
Ciliary dyskinesia, primary, 37 (CILD37). Also called: CILIARY DYSKINESIA, PRIMARY, 37, WITH OR WITHOUT SITUS INVERSUS. Identifiers: MedGen C4539798, MONDO:0033204, OMIM 617577.

Allele frequency attached by ClinVar (database versions not stated): gnomAD 0.00002 and 0.00003; gnomAD exomes 0.00002 and 0.00003; TOPMed 0.00003; 1000 Genomes Project 30x 0.00016; 1000 Genomes Project 0.00020.
gnomAD v4.1: 48 of 1,613,310 alleles (0.003%); highest among the groups gnomAD compares: Non-Finnish European, 0.0038%; no homozygotes.

Submissions (5):

Labcorp Genetics (formerly Invitae), Labcorp
Classification: Uncertain significance for Ciliary dyskinesia, primary, 37; Spermatogenic failure 18. Last evaluated: 2025-07-10. Review status: criteria provided, single submitter. Criteria: Invitae Variant Classification Sherloc (09022015). Collection method: clinical testing. Allele origin: germline.
Comment: This sequence change replaces arginine, which is basic and polar, with cysteine, which is neutral and slightly polar, at codon 1087 of the DNAH1 protein (p.Arg1087Cys). This variant is present in population databases (rs540247484, gnomAD 0.005%). This variant has not been reported in the literature in individuals affected with DNAH1-related conditions. ClinVar contains an entry for this variant (Variation ID: 835672). Invitae Evidence Modeling of protein sequence and biophysical properties (such as structural, functional, and spatial information, amino acid conservation, physicochemical variation, residue mobility, and thermodynamic stability) indicates that this missense variant is expected to disrupt DNAH1 protein function with a positive predictive value of 80%. In summary, the available evidence is currently insufficient to determine the role of this variant in disease. Therefore, it has been classified as a Variant of Uncertain Significance.

Victorian Clinical Genetics Services, Murdoch Childrens Research Institute
Classification: Uncertain significance for Ciliary dyskinesia, primary, 37. Last evaluated: 2024-11-21. Review status: criteria provided, single submitter. Criteria: ACMG Guidelines, 2015. Collection method: clinical testing. Allele origin: germline. Affected: yes.
Comment: This variant is classified as VUS-3B. Evidence in support of pathogenic classification: Variant is present in gnomAD <0.01 for a recessive condition (v4: 48 heterozygotes, 0 homozygotes). Additional information: Variant is predicted to result in a missense amino acid change from arginine to cysteine; This variant is heterozygous; This gene is associated with autosomal recessive disease; Multiple alternative amino acid changes at the same position have been observed in gnomAD (v4) (highest allele count: 133 heterozygotes, 1 homozygote); Previous evidence of pathogenicity for this variant is inconclusive. This variant has been classified as VUS by diagnostic laboratories in ClinVar; No published segregation evidence has been identified for this variant; No published functional evidence has been identified for this variant; Other missense variants comparable to the one identified in this case have inconclusive previous evidence for pathogenicity. Both p.(Arg1087His) and p.(Arg1087Leu) have been classified as VUS by diagnostic laboratories in ClinVar; Variant is located in the annotated dynein heavy chain, N-terminal region 2 domain (DECIPHER); Missense variant with an inconclusive in silico prediction and uninformative conservation; Loss of function is a known mechanism of disease in this gene and is associated with spermatogenic failure 18 (MIM#617576); Inheritance information for this variant is not currently available in this individual.

Blueprint Genetics
Classification: Uncertain significance. Last evaluated: 2024-09-08. Review status: criteria provided, single submitter. Criteria: ACMG Guidelines, 2015. Collection method: clinical testing. Allele origin: germline.

Ambry Genetics
Classification: Uncertain significance. Last evaluated: 2023-07-25. Review status: criteria provided, single submitter. Criteria: Ambry Variant Classification Scheme 2023. Collection method: clinical testing. Allele origin: germline.

Breakthrough Genomics
Classification: Uncertain significance. Review status: criteria provided, single submitter. Criteria: ACMG Guidelines, 2015. Collection method: not provided. Allele origin: germline. Inheritance: Autosomal recessive inheritance. Affected: yes.

NM_015512.5(DNAH1):c.3259C>T (p.Arg1087Cys)

Gene: DNAH1 (dynein axonemal heavy chain 1; plus strand). Cytogenetic location: 3p21.1.
Variant type: single nucleotide variant.
Coding change: c.3259C>T on transcript NM_015512.5 (MANE Select); coding-DNA position 3259, C replaced by T.
Protein change: p.Arg1087Cys; replaces arginine 1087 with cysteine.
Molecular consequence: missense variant.
Genome position (GRCh38, 1-based): chr3:52,353,412, C>T. VCF-style: chr3-52353412-C-T. GRCh37 (hg19) VCF-style: chr3-52387428-C-T.
Other names: short protein forms R1087C.
Identifiers: ClinVar variation 835672 (VCV000835672.12), dbSNP rs540247484, ClinGen allele CA74742948.